The following is an entry in ClinVar:

ClinVar aggregate classification (germline): Uncertain significance. Review status: criteria provided, single submitter (1 of 4 stars). 2 submissions from 2 submitters: Uncertain significance (1). 1 of the submissions does not count toward it. Last evaluated 2022-11-04.

Conditions:
CBL-related disorder. Also called: NOONAN SYNDROME-LIKE DISORDER WITHOUT JUVENILE MYELOMONOCYTIC LEUKEMIA; CBL MUTATION-ASSOCIATED SYNDROME; CBL SYNDROME. Identifiers: Orphanet 363972, MedGen C3150803, MONDO:0013308, OMIM 613563.
RASopathy. Also called: Noonan spectrum disorder; rasopathies. Identifiers: Orphanet 536391, MedGen C5555857, MONDO:0021060.

Allele frequency attached by ClinVar (database versions not stated): gnomAD exomes below 0.00001.
gnomAD v4.1: 2 of 1,614,078 alleles (0.00012%); highest among the groups gnomAD compares: African/African-American, 0.0013%; no homozygotes.

Submissions (2):

Labcorp Genetics (formerly Invitae), Labcorp
Classification: Uncertain significance for RASopathy. Last evaluated: 2022-11-04. Review status: criteria provided, single submitter. Criteria: Invitae Variant Classification Sherloc (09022015). Collection method: clinical testing. Allele origin: germline.
Comment: This missense change has been observed in individual(s) with clinical features of CBL-related conditions (PMID: 24896146). This sequence change replaces aspartic acid, which is acidic and polar, with asparagine, which is neutral and polar, at codon 571 of the CBL protein (p.Asp571Asn). This variant is not present in population databases (gnomAD no frequency). ClinVar contains an entry for this variant (Variation ID: 120248). Advanced modeling of protein sequence and biophysical properties (such as structural, functional, and spatial information, amino acid conservation, physicochemical variation, residue mobility, and thermodynamic stability) performed at Invitae indicates that this missense variant is not expected to disrupt CBL protein function. In summary, the available evidence is currently insufficient to determine the role of this variant in disease. Therefore, it has been classified as a Variant of Uncertain Significance.

Institute of Molecular Pathology and Immunology of the University of Porto (IPATIMUP)
No classification provided. Condition: Noonan syndrome-like disorder with or without juvenile myelomonocytic leukemia. Review status: no classification provided. Collection method: not provided. Allele origin: germline. Not counted in ClinVar's aggregate classification.

Literature cited by the submitters: PubMed 24896146 (cited by Labcorp Genetics (formerly Invitae), Labcorp).

NM_005188.4(CBL):c.1711G>A (p.Asp571Asn)

Gene: CBL (Cbl proto-oncogene; plus strand). Cytogenetic location: 11q23.3.
Variant type: single nucleotide variant.
Coding change: c.1711G>A on transcript NM_005188.4 (MANE Select); coding-DNA position 1711, G replaced by A.
Protein change: p.Asp571Asn; replaces aspartic acid 571 with asparagine.
Molecular consequence: missense variant.
Genome position (GRCh38, 1-based): chr11:119,285,336, G>A. VCF-style: chr11-119285336-G-A. GRCh37 (hg19) VCF-style: chr11-119156046-G-A.
Other names: short protein forms D571N.
Identifiers: ClinVar variation 120248 (VCV000120248.6), dbSNP rs483352825, ClinGen allele CA150795.